The following is an entry in ClinVar:

NM_000540.3(RYR1):c.9521C>T (p.Ser3174Phe)

Gene: RYR1 (ryanodine receptor 1; plus strand). Cytogenetic location: 19q13.2.
Variant type: single nucleotide variant.
Coding change: c.9521C>T on transcript NM_000540.3 (MANE Select); coding-DNA position 9521, C replaced by T.
Protein change: p.Ser3174Phe; replaces serine 3174 with phenylalanine.
Molecular consequence: missense variant.
Genome position (GRCh38, 1-based): chr19:38,515,074, C>T. VCF-style: chr19-38515074-C-T. GRCh37 (hg19) VCF-style: chr19-39005714-C-T.
Other names: c.9521C>T, p.Ser3174Phe (NM_001042723.2); short protein forms S3174F.
Identifiers: ClinVar variation 649384 (VCV000649384.6), dbSNP rs1600880972, ClinGen allele CA405688905.
Genomic context (GRCh38, chr19:38,515,074, plus strand): 5'-TGTCTCCCTCAGTGGACGACGTCCAGGTCTCTTGCTACCGAACGCTGTGCAGTATCTACT[C>T]CCTGGGAACCACCAAGAACACTTATGTGGAAAAGTAAGGAGAGGGAGCCATCGTTTGGGG-3'
Protein context (NP_000531.2, residues 3164-3184): SCYRTLCSIY[Ser3174Phe]LGTTKNTYVE

ClinVar aggregate classification (germline): Uncertain significance (1 of 4 stars; one submission).

Conditions:
RYR1-related disorder. Also called: RYR1-related disorders; RYR1-related condition. Identifiers: MedGen CN239331.

gnomAD v4.1: 7 of 1,613,530 alleles (0.00043%); highest among the groups gnomAD compares: Non-Finnish European, 0.00059%; no homozygotes.

Submission:

Labcorp Genetics (formerly Invitae), Labcorp
Classification: Uncertain significance for RYR1-related disorder. Last evaluated: 2021-08-26. Review status: criteria provided, single submitter. Criteria: Invitae Variant Classification Sherloc (09022015). Collection method: clinical testing. Allele origin: germline.
Comment: This sequence change replaces serine with phenylalanine at codon 3174 of the RYR1 protein (p.Ser3174Phe). The serine residue is highly conserved and there is a large physicochemical difference between serine and phenylalanine. This variant is not present in population databases (ExAC no frequency). This variant has not been reported in the literature in individuals affected with RYR1-related conditions. Algorithms developed to predict the effect of missense changes on protein structure and function are either unavailable or do not agree on the potential impact of this missense change (SIFT: "Deleterious"; PolyPhen-2: "Benign"; Align-GVGD: "Class C0"). In summary, the available evidence is currently insufficient to determine the role of this variant in disease. Therefore, it has been classified as a Variant of Uncertain Significance.